The following is an entry in ClinVar:

ClinVar aggregate classification (germline): Uncertain significance (1 of 4 stars; one submission).

gnomAD v4.1: 1 of 1,613,738 alleles (0.000062%); highest among the groups gnomAD compares: Non-Finnish European, 0.000085%; no homozygotes.

Submission:

Ambry Genetics
Classification: Uncertain significance. Last evaluated: 2026-08-10. Review status: criteria provided, single submitter. Criteria: Ambry Variant Classification Scheme 2023. Collection method: clinical testing. Allele origin: germline.
Comment: The p.L202* variant (also known as c.605T>G), located in coding exon 4 of the ATRIP gene, results from a T to G substitution at nucleotide position 605. This changes the amino acid from a leucine to a stop codon within coding exon 4. The evidence for this gene-disease relationship is limited; therefore, the clinical significance of this variant is unclear.

NM_130384.3(ATRIP):c.605T>G (p.Leu202Ter)

Genes: ATRIP (ATR interacting protein; plus strand), ATRIP-TREX1 (ATRIP-TREX1 readthrough; plus strand). Cytogenetic location: 3p21.31.
Variant type: single nucleotide variant.
Coding change: c.605T>G on transcript NM_130384.3 (MANE Select); coding-DNA position 605, T replaced by G.
Protein change: p.Leu202Ter; replaces leucine 202 with a stop codon.
Molecular consequence: nonsense. On other transcripts: non-coding transcript variant (1).
Genome position (GRCh38, 1-based): chr3:48,454,352, T>G. VCF-style: chr3-48454352-T-G. GRCh37 (hg19) VCF-style: chr3-48495752-T-G.
Other names: c.326T>G, p.Leu109Ter (NM_001271023.2); c.605T>G, p.Leu202Ter (NM_032166.4); c.224T>G, p.Leu75Ter (NM_001271022.2); short protein forms L109*, L202*, L75*.
Identifiers: ClinVar variation 5032449 (VCV005032449.1).
Genomic context (GRCh38, chr3:48,454,352, plus strand): 5'-CCTTCCAGCTCCAATCATTGCAGTCTGAACTCCAGTTTAAAGATGCAGAGATGAATGAAT[T>G]AAGGACAAAGCTCCAGACCAGTGAACGAGCAAATAAACTGGCTGCTCCCTCTGTTTCCCA-3'